The following is an entry in ClinVar:

NM_018344.6(SLC29A3):c.122del (p.Pro41fs)

Gene: SLC29A3 (solute carrier family 29 member 3; plus strand). Cytogenetic location: 10q22.1.
Variant type: Deletion.
Coding change: c.122del on transcript NM_018344.6 (MANE Select); coding-DNA position 122, one base deleted (C; older notation c.122delC).
Protein change: p.Pro41fs; shifts the reading frame from proline 41.
Molecular consequence: frameshift variant. On other transcripts: 5 prime UTR variant (1), non-coding transcript variant (2).
Genome position (GRCh38, 1-based): chr10:71,322,876, C deleted; the last of 5 consecutive C bases (chr10:71,322,872-71,322,876); deleting any one gives the same sequence. VCF-style (leftmost placement, unchanged base first): chr10-71322871-GC-G. GRCh37 (hg19) VCF-style: chr10-73082628-GC-G.
Other names: c.122del, p.Pro41fs (NM_001174098.2); c.-113del (NM_001363518.2); c.118delC (NM_018344.6); short protein forms P41fs.
Identifiers: ClinVar variation 915355 (VCV000915355.5), dbSNP rs749946303, ClinGen allele CA5542821.

ClinVar aggregate classification (germline): Pathogenic. Review status: criteria provided, multiple submitters, no conflicts (2 of 4 stars). 2 submissions from 2 submitters: Pathogenic (2). Last evaluated 2021-09-01.

Conditions:
H syndrome. Also called: FAISALABAD HISTIOCYTOSIS; HISTIOCYTOSIS AND LYMPHADENOPATHY WITH OR WITHOUT CUTANEOUS, CARDIAC, AND/OR ENDOCRINE FEATURES, JOINT CONTRACTURES, AND/OR DEAFNESS; HYPERPIGMENTATION, CUTANEOUS, WITH HYPERTRICHOSIS, HEPATOSPLENOMEGALY, HEART ANOMALIES, AND HYPOGONADISM WITH OR WITHOUT HEARING LOSS; PIGMENTED HYPERTRICHOSIS WITH INSULIN-DEPENDENT DIABETES MELLITUS; ROSAI-DORFMAN DISEASE, FAMILIAL; SINUS HISTIOCYTOSIS AND MASSIVE LYMPHADENOPATHY. Identifiers: Orphanet 168569, MedGen C1864445, MONDO:0011273, OMIM 602782.

Submissions (2):

Labcorp Genetics (formerly Invitae), Labcorp
Classification: Pathogenic for H syndrome. Last evaluated: 2021-09-01. Review status: criteria provided, single submitter. Criteria: Invitae Variant Classification Sherloc (09022015). Collection method: clinical testing. Allele origin: germline.
Comment: This sequence change creates a premature translational stop signal (p.Pro41Leufs*60) in the SLC29A3 gene. It is expected to result in an absent or disrupted protein product. Loss-of-function variants in SLC29A3 are known to be pathogenic (PMID: 19336477, 20595384, 23406517, 25963354). This variant is present in population databases (rs749946303, ExAC 0.006%). This premature translational stop signal has been observed in individual(s) with systemic autoinflammatory disease and diabetes (PMID: 30783801, 31276222). This variant is also known as c.118delC (Pro40fs). ClinVar contains an entry for this variant (Variation ID: 915355). For these reasons, this variant has been classified as Pathogenic.

Genomic Research Center, Shahid Beheshti University of Medical Sciences
Classification: Pathogenic for H syndrome. Last evaluated: 2020-05-03. Review status: criteria provided, single submitter. Criteria: ACMG Guidelines, 2015. Collection method: clinical testing. Allele origin: unknown. Affected: yes.

Literature cited by the submitters: PubMed 19336477 (cited by Labcorp Genetics (formerly Invitae), Labcorp); PubMed 20595384 (cited by Labcorp Genetics (formerly Invitae), Labcorp); PubMed 23406517 (cited by Labcorp Genetics (formerly Invitae), Labcorp); PubMed 25963354 (cited by Labcorp Genetics (formerly Invitae), Labcorp); PubMed 30783801 (cited by Labcorp Genetics (formerly Invitae), Labcorp); PubMed 31276222 (cited by Labcorp Genetics (formerly Invitae), Labcorp).